The following is an entry in ClinVar:

ClinVar aggregate classification (germline): Uncertain significance (1 of 4 stars; one submission).

Allele frequency attached by ClinVar (database versions not stated): gnomAD exomes below 0.00001; TOPMed below 0.00001; gnomAD 0.00001; ExAC 0.00002.

Submission:

Labcorp Genetics (formerly Invitae), Labcorp
Classification: Uncertain significance. Last evaluated: 2022-10-04. Review status: criteria provided, single submitter. Criteria: Invitae Variant Classification Sherloc (09022015). Collection method: clinical testing. Allele origin: germline.
Comment: In summary, the available evidence is currently insufficient to determine the role of this variant in disease. Therefore, it has been classified as a Variant of Uncertain Significance. Algorithms developed to predict the effect of missense changes on protein structure and function are either unavailable or do not agree on the potential impact of this missense change (SIFT: "Tolerated"; PolyPhen-2: "Probably Damaging"; Align-GVGD: "Class C0"). ClinVar contains an entry for this variant (Variation ID: 1510032). This variant has not been reported in the literature in individuals affected with PRPF31-related conditions. This variant is present in population databases (rs778039940, gnomAD 0.002%). This sequence change replaces glutamic acid, which is acidic and polar, with lysine, which is basic and polar, at codon 310 of the PRPF31 protein (p.Glu310Lys).

NM_015629.4(PRPF31):c.928G>A (p.Glu310Lys)

Gene: PRPF31 (pre-mRNA processing factor 31; plus strand). Cytogenetic location: 19q13.42.
Variant type: single nucleotide variant.
Coding change: c.928G>A on transcript NM_015629.4 (MANE Select); coding-DNA position 928, G replaced by A.
Protein change: p.Glu310Lys; replaces glutamic acid 310 with lysine.
Molecular consequence: missense variant.
Genome position (GRCh38, 1-based): chr19:54,126,600, G>A. VCF-style: chr19-54126600-G-A. GRCh37 (hg19) VCF-style: chr19-54629975-G-A.
Other names: short protein forms E310K.
Identifiers: ClinVar variation 1510032 (VCV001510032.8), dbSNP rs778039940, ClinGen allele CA309328002.